The following is an entry in ClinVar:

NM_001042492.3(NF1):c.8336C>G (p.Ser2779Cys)

Gene: NF1 (neurofibromin 1; plus strand). Cytogenetic location: 17q11.2.
Variant type: single nucleotide variant.
Coding change: c.8336C>G on transcript NM_001042492.3 (MANE Select); coding-DNA position 8336, C replaced by G.
Protein change: p.Ser2779Cys; replaces serine 2779 with cysteine.
Molecular consequence: missense variant.
Genome position (GRCh38, 1-based): chr17:31,360,662, C>G. VCF-style: chr17-31360662-C-G. GRCh37 (hg19) VCF-style: chr17-29687680-C-G.
Other names: c.8273C>G, p.Ser2758Cys (NM_000267.4); short protein forms S2758C, S2779C.
Identifiers: ClinVar variation 1721720 (VCV001721720.5), dbSNP rs2151588180, ClinGen allele CA399205009.

ClinVar aggregate classification (germline): Uncertain significance (1 of 4 stars; one submission).

Conditions:
Neurofibromatosis, type 1 (NF1). Also called: Neurofibromatosis, type I; VON RECKLINGHAUSEN DISEASE; NEUROFIBROMATOSIS, TYPE I, SOMATIC; Peripheral type neurofibromatosis. Identifiers: Orphanet 636, MedGen C0027831, MONDO:0018975, OMIM 162200. Disease mechanism: loss of function.

Submission:

Labcorp Genetics (formerly Invitae), Labcorp
Classification: Uncertain significance for Neurofibromatosis, type 1. Last evaluated: 2022-10-16. Review status: criteria provided, single submitter. Criteria: Invitae Variant Classification Sherloc (09022015). Collection method: clinical testing. Allele origin: germline.
Comment: In summary, the available evidence is currently insufficient to determine the role of this variant in disease. Therefore, it has been classified as a Variant of Uncertain Significance. Advanced modeling of protein sequence and biophysical properties (such as structural, functional, and spatial information, amino acid conservation, physicochemical variation, residue mobility, and thermodynamic stability) performed at Invitae indicates that this missense variant is expected to disrupt NF1 protein function. This variant has not been reported in the literature in individuals affected with NF1-related conditions. This variant is not present in population databases (gnomAD no frequency). This sequence change replaces serine, which is neutral and polar, with cysteine, which is neutral and slightly polar, at codon 2758 of the NF1 protein (p.Ser2758Cys).